The following is an entry in ClinVar:

NM_000489.6(ATRX):c.2520A>C (p.Arg840Ser)

Gene: ATRX (ATRX chromatin remodeler; minus strand). Cytogenetic location: Xq21.1.
Variant type: single nucleotide variant.
Coding change: c.2520A>C on transcript NM_000489.6 (MANE Select); coding-DNA position 2520, A replaced by C.
Protein change: p.Arg840Ser; replaces arginine 840 with serine.
Molecular consequence: missense variant.
Genome position (GRCh38, 1-based): chrX:77,682,736, T>G on the plus strand (A>C on the coding strand, the complement: ATRX is on the minus strand). VCF-style: chrX-77682736-T-G. GRCh37 (hg19) VCF-style: chrX-76938228-T-G.
Other names: c.2406A>C, p.Arg802Ser (NM_138270.5); short protein forms R802S, R840S.
Identifiers: ClinVar variation 2977870 (VCV002977870.3), dbSNP rs2071297276, ClinGen allele CA413711991.

ClinVar aggregate classification (germline): Uncertain significance (1 of 4 stars; one submission).

Conditions:
Alpha thalassemia-X-linked intellectual disability syndrome (ATRX). Also called: ALPHA-THALASSEMIA/MENTAL RETARDATION SYNDROME, X-LINKED; ATR, NONDELETION TYPE; ATR-X syndrome; Alpha thalassemia mental retardation syndrome, nondeletion type, X-linked; XLMR hypotonic face syndrome; X-linked alpha-thalassemia-mental retardation syndrome. Identifiers: Orphanet 847, MedGen C1845055, MONDO:0010519, OMIM 301040.

Submission:

Labcorp Genetics (formerly Invitae), Labcorp
Classification: Uncertain significance for Alpha thalassemia-X-linked intellectual disability syndrome. Last evaluated: 2025-03-12. Review status: criteria provided, single submitter. Criteria: Invitae Variant Classification Sherloc (09022015). Collection method: clinical testing. Allele origin: germline.
Comment: This sequence change replaces arginine, which is basic and polar, with serine, which is neutral and polar, at codon 840 of the ATRX protein (p.Arg840Ser). This variant is not present in population databases (gnomAD no frequency). This variant has not been reported in the literature in individuals affected with ATRX-related conditions. ClinVar contains an entry for this variant (Variation ID: 2977870). Invitae Evidence Modeling of protein sequence and biophysical properties (such as structural, functional, and spatial information, amino acid conservation, physicochemical variation, residue mobility, and thermodynamic stability) indicates that this missense variant is not expected to disrupt ATRX protein function with a negative predictive value of 95%. In summary, the available evidence is currently insufficient to determine the role of this variant in disease. Therefore, it has been classified as a Variant of Uncertain Significance.